The following is an entry in ClinVar:

NM_170784.3(MKKS):c.297C>T (p.Cys99=)

Gene: MKKS (MKKS centrosomal shuttling protein; minus strand). Cytogenetic location: 20p12.2.
Variant type: single nucleotide variant.
Coding change: c.297C>T on transcript NM_170784.3 (MANE Select); coding-DNA position 297, C replaced by T.
Protein change: p.Cys99=; no amino-acid change (cysteine 99 retained).
Molecular consequence: synonymous variant.
Genome position (GRCh38, 1-based): chr20:10,413,218, G>A on the plus strand (C>T on the coding strand, the complement: MKKS is on the minus strand). VCF-style: chr20-10413218-G-A. GRCh37 (hg19) VCF-style: chr20-10393866-G-A.
Other names: c.297C>T, p.Cys99= (NM_018848.3).
Identifiers: ClinVar variation 1159795 (VCV001159795.11), dbSNP rs748395304, ClinGen allele CA9763710.

ClinVar aggregate classification (germline): Likely benign. Review status: criteria provided, single submitter (1 of 4 stars). 2 submissions from 2 submitters: Likely benign (1). 1 of the submissions does not count toward it. Last evaluated 2025-12-23.

Conditions:
McKusick-Kaufman syndrome (MKKS). Also called: HYDROMETROCOLPOS SYNDROME; HYDROMETROCOLPOS, POSTAXIAL POLYDACTYLY, AND CONGENITAL HEART MALFORMATION. Identifiers: Orphanet 2473, MedGen C0948368, MONDO:0009367, OMIM 236700.
Bardet-Biedl syndrome (BBS). Identifiers: Orphanet 110, MedGen C0752166, MONDO:0015229.
MKKS-related disorder. Also called: MKKS-related condition; MKKS-related disorders.

Allele frequency attached by ClinVar (database versions not stated): gnomAD 0.00001; ExAC 0.00002; gnomAD exomes 0.00002; TOPMed 0.00002.
gnomAD v4.1: 37 of 1,614,204 alleles (0.0023%); highest among the groups gnomAD compares: Middle Eastern, 0.13%; no homozygotes.

Submissions (2):

Labcorp Genetics (formerly Invitae), Labcorp
Classification: Likely benign for McKusick-Kaufman syndrome; Bardet-Biedl syndrome. Last evaluated: 2025-12-23. Review status: criteria provided, single submitter. Criteria: Invitae Variant Classification Sherloc (09022015). Collection method: clinical testing. Allele origin: germline.

PreventionGenetics, part of Exact Sciences
Classification: Likely benign for MKKS-related condition. Last evaluated: 2020-07-13. Review status: no assertion criteria provided. Collection method: clinical testing. Allele origin: germline. Not counted in ClinVar's aggregate classification.
Comment: This variant is classified as likely benign based on ACMG/AMP sequence variant interpretation guidelines (Richards et al. 2015 PMID: 25741868, with internal and published modifications).